The following is an entry in ClinVar:

ClinVar aggregate classification (germline): Uncertain significance (0 of 4 stars; one submission).

Conditions:
HCK-related condition.

Submission:

PreventionGenetics, part of Exact Sciences
Classification: Uncertain significance for HCK-related condition. Last evaluated: 2024-09-09. Review status: no assertion criteria provided. Collection method: clinical testing. Allele origin: germline.
Comment: The HCK c.2+3A>G variant is predicted to interfere with splicing. To our knowledge, this variant has not been reported in the literature or in a large population database, indicating this variant is rare. At this time, the clinical significance of this variant is uncertain due to the absence of conclusive functional and genetic evidence.

NM_002110.5(HCK):c.62+1798A>G

Gene: HCK (HCK proto-oncogene, Src family tyrosine kinase; plus strand). Cytogenetic location: 20q11.21.
Variant type: single nucleotide variant.
Coding change: c.62+1798A>G on transcript NM_002110.5 (MANE Select); 1798 bases into the intron after coding-DNA position 62, A replaced by G.
Molecular consequence: intron variant.
Genome position (GRCh38, 1-based): chr20:32,054,284, A>G. VCF-style: chr20-32054284-A-G. GRCh37 (hg19) VCF-style: chr20-30642087-A-G.
Other names: c.2+3A>G (NM_001172132.3); c.-66+1798A>G (NM_001172133.3); c.-2+1798A>G (NM_001172129.3, NM_001172131.3); c.62+1798A>G (NM_001172130.3).
Identifiers: ClinVar variation 3355528 (VCV003355528.1).
Genomic context (GRCh38, chr20:32,054,284, plus strand): 5'-GCTGTCATGAGTTACAGTCCTTCCAGGATGTGCCTCTGAAAATGGATTGCATATAAATGT[A>G]CGCATAAACAACACGTAGGATTGTTTTGTGTGCTTTAAAAATGCTATCTATGCAGTGGTT-3'